The following is an entry in ClinVar:

ClinVar aggregate classification (germline): Uncertain significance. Review status: criteria provided, multiple submitters, no conflicts (2 of 4 stars). 2 submissions from 2 submitters: Uncertain significance (2). Last evaluated 2024-12-07.

Conditions:
Generalized epilepsy-paroxysmal dyskinesia syndrome (PNKD3). Also called: Generalized epilepsy and paroxysmal dyskinesia; Paroxysmal nonkinesigenic dyskinesia, 3, with or without generalized epilepsy. Identifiers: Orphanet 79137, MedGen C5574945, MONDO:0012276, OMIM 609446.

Allele frequency attached by ClinVar (database versions not stated): gnomAD exomes 0.00001; ExAC 0.00003.
gnomAD v4.1: 5 of 1,614,014 alleles (0.00031%); highest among the groups gnomAD compares: Non-Finnish European, 0.00042%; no homozygotes.

Submissions (2):

Labcorp Genetics (formerly Invitae), Labcorp
Classification: Uncertain significance for Generalized epilepsy-paroxysmal dyskinesia syndrome. Last evaluated: 2024-12-07. Review status: criteria provided, single submitter. Criteria: Invitae Variant Classification Sherloc (09022015). Collection method: clinical testing. Allele origin: germline.
Comment: This sequence change replaces threonine, which is neutral and polar, with asparagine, which is neutral and polar, at codon 1030 of the KCNMA1 protein (p.Thr1030Asn). This variant is present in population databases (rs769712220, gnomAD 0.004%). This variant has not been reported in the literature in individuals affected with KCNMA1-related conditions. ClinVar contains an entry for this variant (Variation ID: 3253233). An algorithm developed to predict the effect of missense changes on protein structure and function (PolyPhen-2) suggests that this variant is likely to be tolerated. In summary, the available evidence is currently insufficient to determine the role of this variant in disease. Therefore, it has been classified as a Variant of Uncertain Significance.

GeneDx
Classification: Uncertain significance. Last evaluated: 2023-06-13. Review status: criteria provided, single submitter. Criteria: GeneDx Variant Classification Process June 2021. Collection method: clinical testing. Allele origin: germline. Affected: yes.
Comment: Has not been previously published as pathogenic or benign to our knowledge; In silico analysis supports that this missense variant has a deleterious effect on protein structure/function; Not observed at significant frequency in large population cohorts (gnomAD)

NM_001161352.2(KCNMA1):c.3263C>A (p.Thr1088Asn)

Genes: KCNMA1 (potassium calcium-activated channel subfamily M alpha 1; minus strand), KCNMA1-AS1 (KCNMA1 antisense RNA 1; plus strand). Cytogenetic location: 10q22.3.
Variant type: single nucleotide variant.
Coding change: c.3263C>A on transcript NM_001161352.2 (MANE Select); coding-DNA position 3263, C replaced by A.
Protein change: p.Thr1088Asn; replaces threonine 1088 with asparagine.
Molecular consequence: missense variant.
Genome position (GRCh38, 1-based): chr10:76,891,604, G>T on the plus strand (C>A on the coding strand, the complement: KCNMA1 is on the minus strand). VCF-style: chr10-76891604-G-T. GRCh37 (hg19) VCF-style: chr10-78651362-G-T.
Other names: c.3101C>A, p.Thr1034Asn (NM_001014797.3); c.3212C>A, p.Thr1071Asn (NM_001161353.2); c.2939C>A, p.Thr980Asn (NM_001271518.2); c.3179C>A, p.Thr1060Asn (NM_001271519.2); c.3098C>A, p.Thr1033Asn (NM_001322829.2, NM_001322836.2); c.3191C>A, p.Thr1064Asn (NM_001322830.2); c.3089C>A, p.Thr1030Asn (NM_001322832.2, NM_001410940.1, NM_002247.4); c.3182C>A, p.Thr1061Asn (NM_001322835.2, NM_001322837.2); and 1 more; short protein forms T1030N, T1033N, T1034N, T1060N, T1061N, T1064N, T1071N, T1088N.
Identifiers: ClinVar variation 3253233 (VCV003253233.3), dbSNP rs769712220.